The following is an entry in ClinVar:

ClinVar aggregate classification (germline): Likely benign (1 of 4 stars; one submission).

Submission:

CeGaT Center for Human Genetics Tuebingen
Classification: Likely benign. Last evaluated: 2022-10-01. Review status: criteria provided, single submitter. Criteria: CeGaT Center For Human Genetics Tuebingen Variant Classification Criteria Version 2. Collection method: clinical testing. Allele origin: germline. Affected: yes. Observed: 1 variant allele.
Comment: PIK3C2A: PM2:Supporting, BP4, BP7

NM_002645.4(PIK3C2A):c.1773C>G (p.Val591=)

Gene: PIK3C2A (phosphatidylinositol-4-phosphate 3-kinase catalytic subunit type 2 alpha; minus strand). Cytogenetic location: 11p15.1.
Variant type: single nucleotide variant.
Coding change: c.1773C>G on transcript NM_002645.4 (MANE Select); coding-DNA position 1773, C replaced by G.
Protein change: p.Val591=; no amino-acid change (valine 591 retained).
Molecular consequence: synonymous variant.
Genome position (GRCh38, 1-based): chr11:17,136,557, G>C on the plus strand (C>G on the coding strand, the complement: PIK3C2A is on the minus strand). VCF-style: chr11-17136557-G-C. GRCh37 (hg19) VCF-style: chr11-17158104-G-C.
Other names: c.633C>G, p.Val211= (NM_001321380.2); c.1773C>G, p.Val591= (NM_001386870.1, NM_001321378.2).
Identifiers: ClinVar variation 2641640 (VCV002641640.24), dbSNP rs780208027, ClinGen allele CA473280108.
Genomic context (GRCh38, chr11:17,136,557, plus strand): 5'-CCTTGGAAGATTAACTGCTCTCTTTAGCTTCTTTACTGATTCTGTAATGGCAAGAGTCTC[G>C]ACACCATCTAAAGCACTACAGATTTTTCTTACAGCTTTAATTACTTGATCTACTGCTCGG-3'
Protein context (NP_002636.2, residues 581-601): VRKICSALDG[Val591=]ETLAITESVK